The following is an entry in ClinVar:

NM_178857.6(RP1L1):c.5117C>T (p.Ala1706Val)

Gene: RP1L1 (RP1 like 1). Cytogenetic location: 8p23.1.
Variant type: single nucleotide variant.
Coding change: c.5117C>T on transcript NM_178857.6 (MANE Select); coding-DNA position 5117, C replaced by T.
Protein change: p.Ala1706Val; replaces alanine 1706 with valine.
Molecular consequence: missense variant.
Genome position (GRCh38, 1-based): chr8:10,608,981, G>A on the plus strand (C>T on the coding strand, the complement: RP1L1 is on the minus strand). VCF-style: chr8-10608981-G-A. GRCh37 (hg19) VCF-style: chr8-10466491-G-A.
Other names: short protein forms A1706V.
Identifiers: ClinVar variation 910232 (VCV000910232.5), dbSNP rs749241014, ClinGen allele CA4623762.

ClinVar aggregate classification (germline): Conflicting classifications of pathogenicity. Review status: criteria provided, conflicting classifications (1 of 4 stars). 2 submissions from 2 submitters: Uncertain significance (1); Likely benign (1). Last evaluated 2025-10-05.

Conditions:
RP1L1-related disorder. Also called: RP1L1-related condition.
Occult macular dystrophy (OCMD). Also called: OMD; OCCULT MACULAR DYSTROPHY, SUSCEPTIBILITY TO. Identifiers: Orphanet 247834, MedGen C3150833, MONDO:0013316, OMIM 613587, HP:0030636.

Allele frequency attached by ClinVar (database versions not stated): gnomAD exomes 0.00001 and 0.00002; TOPMed 0.00001; gnomAD 0.00002; ExAC 0.00004.
gnomAD v4.1: 18 of 1,613,050 alleles (0.0011%); highest among the groups gnomAD compares: East Asian, 0.029%; no homozygotes.

Submissions (2):

PreventionGenetics, part of Exact Sciences
Classification: Uncertain significance for RP1L1-related condition. Last evaluated: 2025-10-05. Review status: criteria provided, single submitter. Criteria: ACMG Guidelines, 2015. Collection method: clinical testing. Allele origin: germline.
Comment: The RP1L1 c.5117C>T variant is predicted to result in the amino acid substitution p.Ala1706Val. To our knowledge, this variant has not been reported in the literature. This variant is present in 0.022% of alleles in individuals of East Asian descent in gnomAD. At this time, the clinical significance of this variant is uncertain due to the absence of conclusive functional and genetic evidence.

Illumina Laboratory Services, Illumina
Classification: Likely benign for Occult macular dystrophy. Last evaluated: 2018-01-12. Review status: criteria provided, single submitter. Criteria: ICSL Variant Classification Criteria 13 December 2019. Collection method: clinical testing. Allele origin: germline.
Comment: This variant was observed in the ICSL laboratory as part of a predisposition screen in an ostensibly healthy population. It had not been previously curated by ICSL or reported in the Human Gene Mutation Database (HGMD: prior to June 1st, 2018), and was therefore a candidate for classification through an automated scoring system. Utilizing variant allele frequency, disease prevalence and penetrance estimates, and inheritance mode, an automated score was calculated to assess if this variant is too frequent to cause the disease. Based on the score and internal cut-off values, a variant classified as likely benign is not then subjected to further curation. The score for this variant resulted in a classification of likely benign for this disease.